The following is an entry in ClinVar:

NM_000081.4(LYST):c.11212G>A (p.Asp3738Asn)

Gene: LYST (lysosomal trafficking regulator; minus strand). Cytogenetic location: 1q42.3.
Variant type: single nucleotide variant.
Coding change: c.11212G>A on transcript NM_000081.4 (MANE Select); coding-DNA position 11212, G replaced by A.
Protein change: p.Asp3738Asn; replaces aspartic acid 3738 with asparagine.
Molecular consequence: missense variant.
Genome position (GRCh38, 1-based): chr1:235,664,039, C>T on the plus strand (G>A on the coding strand, the complement: LYST is on the minus strand). VCF-style: chr1-235664039-C-T. GRCh37 (hg19) VCF-style: chr1-235827339-C-T.
Other names: c.11212G>A, p.Asp3738Asn (NM_001301365.1); short protein forms D3738N.
Identifiers: ClinVar variation 1468805 (VCV001468805.5), dbSNP rs774320068, ClinGen allele CA1465182.

ClinVar aggregate classification (germline): Uncertain significance (1 of 4 stars; one submission).

Conditions:
Chédiak-Higashi syndrome (CHS). Also called: Chediak-Higashi Syndrome. Identifiers: Orphanet 167, MedGen C0007965, MONDO:0008963, OMIM 214500.

Allele frequency attached by ClinVar (database versions not stated): ExAC 0.00001; gnomAD exomes 0.00001.
gnomAD v4.1: 14 of 1,612,896 alleles (0.00087%); highest among the groups gnomAD compares: Non-Finnish European, 0.0011%; no homozygotes.

Submission:

Labcorp Genetics (formerly Invitae), Labcorp
Classification: Uncertain significance for Chédiak-Higashi syndrome. Last evaluated: 2022-07-12. Review status: criteria provided, single submitter. Criteria: Invitae Variant Classification Sherloc (09022015). Collection method: clinical testing. Allele origin: germline.
Comment: This sequence change replaces aspartic acid, which is acidic and polar, with asparagine, which is neutral and polar, at codon 3738 of the LYST protein (p.Asp3738Asn). This variant is present in population databases (rs774320068, gnomAD 0.0009%). This variant has not been reported in the literature in individuals affected with LYST-related conditions. ClinVar contains an entry for this variant (Variation ID: 1468805). Algorithms developed to predict the effect of missense changes on protein structure and function are either unavailable or do not agree on the potential impact of this missense change (SIFT: "Tolerated"; PolyPhen-2: "Probably Damaging"; Align-GVGD: "Class C0"). In summary, the available evidence is currently insufficient to determine the role of this variant in disease. Therefore, it has been classified as a Variant of Uncertain Significance.